The following is an entry in ClinVar:

NM_004247.4(EFTUD2):c.106-1G>C

Gene: EFTUD2 (elongation factor Tu GTP binding domain containing 2; minus strand). Cytogenetic location: 17q21.31.
Variant type: single nucleotide variant.
Coding change: c.106-1G>C on transcript NM_004247.4 (MANE Select); the canonical splice acceptor site of the intron before coding-DNA position 106, G replaced by C.
Molecular consequence: splice acceptor variant.
Genome position (GRCh38, 1-based): chr17:44,886,751, C>G on the plus strand (G>C on the coding strand, the complement: EFTUD2 is on the minus strand). VCF-style: chr17-44886751-C-G. GRCh37 (hg19) VCF-style: chr17-42964119-C-G.
Other names: c.1-1G>C (NM_001142605.2); c.106-1G>C (NM_001258354.2, NM_001258353.2).
Identifiers: ClinVar variation 973219 (VCV000973219.5), dbSNP rs2051181820, ClinGen allele CA399826746.

ClinVar aggregate classification (germline): Pathogenic (1 of 4 stars; one submission).

Conditions:
Mandibulofacial dysostosis-microcephaly syndrome (MFDGA). Also called: Growth and mental retardation, mandibulofacial dysostosis, microcephaly, and cleft palate; Mandibulofacial dysostosis, Guion-Almeida type. Identifiers: Orphanet 79113, MedGen C1864652, MONDO:0012516, OMIM 610536.

Submission:

Institute for Genomic Medicine (IGM) Clinical Laboratory, Nationwide Children's Hospital
Classification: Pathogenic for Mandibulofacial dysostosis-microcephaly syndrome. Last evaluated: 2018-02-02. Review status: criteria provided, single submitter. Criteria: ACMG Guidelines, 2015. Collection method: clinical testing. Allele origin: germline. Affected: yes.
Comment: [ACMG/AMP: PVS1, PM2, PP3] This alteration is a null variant in a gene where LOF is a known mechanism of disease [PVS1], is absent from or rarely observed in large-scale population databases [PM2], is predicted to be damaging by multiple functional prediction tools [PP3].